The following is an entry in ClinVar:

ClinVar aggregate classification (germline): Likely benign. Review status: criteria provided, single submitter (1 of 4 stars). 2 submissions from 2 submitters: Likely benign (1). 1 of the submissions does not count toward it. Last evaluated 2025-01-27.

Conditions:
FN1-related disorder. Also called: FN1-related condition.

Allele frequency attached by ClinVar (database versions not stated): ExAC 0.00006; gnomAD exomes 0.00006 and 0.00013; TOPMed 0.00006; gnomAD 0.00007; ESP Exome Variant Server 0.00008.
gnomAD v4.1: 203 of 1,613,978 alleles (0.013%); highest among the groups gnomAD compares: Non-Finnish European, 0.016%; 1 homozygote.

Submissions (2):

Labcorp Genetics (formerly Invitae), Labcorp
Classification: Likely benign. Last evaluated: 2025-01-27. Review status: criteria provided, single submitter. Criteria: Invitae Variant Classification Sherloc (09022015). Collection method: clinical testing. Allele origin: germline.

PreventionGenetics, part of Exact Sciences
Classification: Likely benign for FN1-related condition. Last evaluated: 2019-12-23. Review status: no assertion criteria provided. Collection method: clinical testing. Allele origin: germline. Not counted in ClinVar's aggregate classification.
Comment: This variant is classified as likely benign based on ACMG/AMP sequence variant interpretation guidelines (Richards et al. 2015 PMID: 25741868, with internal and published modifications).

NM_212482.4(FN1):c.3141T>C (p.Ser1047=)

Gene: FN1 (fibronectin 1; minus strand). Cytogenetic location: 2q35.
Variant type: single nucleotide variant.
Coding change: c.3141T>C on transcript NM_212482.4 (MANE Select); coding-DNA position 3141, T replaced by C.
Protein change: p.Ser1047=; no amino-acid change (serine 1047 retained).
Molecular consequence: synonymous variant.
Genome position (GRCh38, 1-based): chr2:215,404,501, A>G on the plus strand (T>C on the coding strand, the complement: FN1 is on the minus strand). VCF-style: chr2-215404501-A-G. GRCh37 (hg19) VCF-style: chr2-216269224-A-G.
Other names: c.3141T>C, p.Ser1047= (NM_001306129.2, NM_001306130.2, NM_001306131.2 and 13 more transcripts); c.3141T>C (NM_212482.2).
Identifiers: ClinVar variation 1111297 (VCV001111297.11), dbSNP rs374879615, ClinGen allele CA2094793.